The following is an entry in ClinVar:

NM_033305.3(VPS13A):c.4613G>A (p.Trp1538Ter)

Gene: VPS13A (vacuolar protein sorting 13 homolog A; plus strand). Cytogenetic location: 9q21.2.
Variant type: single nucleotide variant.
Coding change: c.4613G>A on transcript NM_033305.3 (MANE Select); coding-DNA position 4613, G replaced by A.
Protein change: p.Trp1538Ter; replaces tryptophan 1538 with a stop codon.
Molecular consequence: nonsense.
Genome position (GRCh38, 1-based): chr9:77,315,453, G>A. VCF-style: chr9-77315453-G-A. GRCh37 (hg19) VCF-style: chr9-79930369-G-A.
Other names: c.4496G>A, p.Trp1499Ter (NM_001018037.2); c.4613G>A, p.Trp1538Ter (NM_001018038.3, NM_015186.4); short protein forms W1499*, W1538*.
Identifiers: ClinVar variation 5013805 (VCV005013805.1).

ClinVar aggregate classification (germline): Pathogenic (1 of 4 stars; one submission).

Conditions:
VPS13A-related neurodegenerative disease. Also called: ACANTHOCYTOSIS WITH NEUROLOGIC DISORDER; LEVINE-CRITCHLEY SYNDROME; Choreoacanthocytosis; Chorea-acanthocytosis; Choreaacanthocytosis; VPS13A Disease. Identifiers: Orphanet 2388, MedGen C0393576, MONDO:0008695, OMIM 200150.

gnomAD v4.1: 1 of 1,613,822 alleles (0.000062%); highest among the groups gnomAD compares: Non-Finnish European, 0.000085%; no homozygotes.

Submission:

Myriad Genetics, Inc.
Classification: Pathogenic for VPS13A-related neurodegenerative disease. Last evaluated: 2024-11-25. Review status: criteria provided, single submitter. Criteria: Myriad Autosomal Dominant, Autosomal Recessive and X-Linked Classification Criteria (2023). Collection method: clinical testing. Allele origin: unknown.
Comment: NM_033305.2(VPS13A):c.4613G>A(W1538*) is expected to be pathogenic in the context of VPS13A disease. This variant is predicted to lead to an abnormal or absent protein product due to the creation of a premature termination codon in VPS13A, a gene where loss-of-function variants are known to be pathogenic. Please note: this variant was assessed in the context of healthy population screening.